The following is an entry in ClinVar:

NM_001130438.3(SPTAN1):c.5832+9A>G

Gene: SPTAN1 (spectrin alpha, non-erythrocytic 1; plus strand). Cytogenetic location: 9q34.11.
Variant type: single nucleotide variant.
Coding change: c.5832+9A>G on transcript NM_001130438.3 (MANE Select); 9 bases into the intron after coding-DNA position 5832, A replaced by G.
Molecular consequence: intron variant.
Genome position (GRCh38, 1-based): chr9:128,621,265, A>G. VCF-style: chr9-128621265-A-G. GRCh37 (hg19) VCF-style: chr9-131383544-A-G.
Other names: c.5832+9A>G (NM_001363759.2); c.5817+9A>G (NM_003127.4); c.5772+9A>G (NM_001363765.2); c.5757+9A>G (NM_001195532.2).
Identifiers: ClinVar variation 461230 (VCV000461230.9), dbSNP rs1431187706, ClinGen allele CA590639311.

ClinVar aggregate classification (germline): Likely benign. Review status: criteria provided, multiple submitters, no conflicts (2 of 4 stars). 2 submissions from 2 submitters: Likely benign (2). Last evaluated 2024-12-24.

Conditions:
Early-infantile DEE. Also called: Early infantile epileptic encephalopathy; Early infantile epileptic encephalopathy with suppression bursts; Ohtahara syndrome. Identifiers: Orphanet 1934, MedGen C0393706, MONDO:0800491.

Allele frequency attached by ClinVar (database versions not stated): gnomAD exomes 0.00001.
gnomAD v4.1: 6 of 1,611,658 alleles (0.00037%); highest among the groups gnomAD compares: Admixed American, 0.0033%; no homozygotes.

Submissions (2):

Labcorp Genetics (formerly Invitae), Labcorp
Classification: Likely benign for Early-infantile DEE. Last evaluated: 2024-12-24. Review status: criteria provided, single submitter. Criteria: Invitae Variant Classification Sherloc (09022015). Collection method: clinical testing. Allele origin: germline.

GeneDx
Classification: Likely benign. Last evaluated: 2017-03-08. Review status: criteria provided, single submitter. Criteria: GeneDx Variant Classification (06012015). Collection method: clinical testing. Allele origin: germline. Affected: yes.
Comment: This variant is considered likely benign or benign based on one or more of the following criteria: it is a conservative change, it occurs at a poorly conserved position in the protein, it is predicted to be benign by multiple in silico algorithms, and/or has population frequency not consistent with disease.